The following is an entry in ClinVar:

NM_000170.3(GLDC):c.2306C>G (p.Pro769Arg)

Gene: GLDC (glycine decarboxylase; minus strand). Cytogenetic location: 9p24.1.
Variant type: single nucleotide variant.
Coding change: c.2306C>G on transcript NM_000170.3 (MANE Select); coding-DNA position 2306, C replaced by G.
Protein change: p.Pro769Arg; replaces proline 769 with arginine.
Molecular consequence: missense variant.
Genome position (GRCh38, 1-based): chr9:6,554,678, G>C on the plus strand (C>G on the coding strand, the complement: GLDC is on the minus strand). VCF-style: chr9-6554678-G-C. GRCh37 (hg19) VCF-style: chr9-6554678-G-C.
Other names: p.Pro769Arg; short protein forms P769R.
Identifiers: ClinVar variation 4526334 (VCV004526334.1).

ClinVar aggregate classification (germline): Likely pathogenic (1 of 4 stars; one submission).

Conditions:
Glycine encephalopathy 1 (GCE1). Identifiers: MedGen CN376801, MONDO:0958179, OMIM 605899.

Submission:

Foundation for Research in Genetics and Endocrinology, FRIGE's Institute of Human Genetics
Classification: Likely pathogenic for Glycine encephalopathy 1. Last evaluated: 2025-10-25. Review status: criteria provided, single submitter. Criteria: ACMG Guidelines, 2015. Collection method: clinical testing. Allele origin: germline. Inheritance: Autosomal recessive inheritance. Affected: yes. Observed: 1 homozygote.
Comment: A homozygous variant in exon 19 of the GLDC gene that results in the amino acid substitution of Arginine for Proline at codon 769 was detected. This variant has not been reported in 1000 genomes. The in-silico prediction of the variant is deleterious Revel and AlphaMissense. In summary, the variant meets our criteria to be classified as likely pathogenic.